The following is an entry in ClinVar:

NM_017784.5(OSBPL10):c.1339G>A (p.Ala447Thr)

Gene: OSBPL10 (oxysterol binding protein like 10; minus strand). Cytogenetic location: 3p23.
Variant type: single nucleotide variant.
Coding change: c.1339G>A on transcript NM_017784.5 (MANE Select); coding-DNA position 1339, G replaced by A.
Protein change: p.Ala447Thr; replaces alanine 447 with threonine.
Molecular consequence: missense variant.
Genome position (GRCh38, 1-based): chr3:31,684,021, C>T on the plus strand (G>A on the coding strand, the complement: OSBPL10 is on the minus strand). VCF-style: chr3-31684021-C-T. GRCh37 (hg19) VCF-style: chr3-31725513-C-T.
Other names: c.1147G>A, p.Ala383Thr (NM_001174060.2); short protein forms A447T, A383T.
Identifiers: ClinVar variation 2467117 (VCV002467117.2), dbSNP rs754059421, ClinGen allele CA2295734.

ClinVar aggregate classification (germline): Uncertain significance (1 of 4 stars; one submission).

Allele frequency attached by ClinVar (database versions not stated): gnomAD exomes 0.00001; ExAC 0.00002; TOPMed 0.00002; gnomAD 0.00003.
gnomAD v4.1: 28 of 1,614,060 alleles (0.0017%); highest among the groups gnomAD compares: Middle Eastern, 0.016%; no homozygotes.

Submission:

Ambry Genetics
Classification: Uncertain significance. Last evaluated: 2023-03-14. Review status: criteria provided, single submitter. Criteria: Ambry Variant Classification Scheme 2023. Collection method: clinical testing. Allele origin: germline.
Comment: The c.1339G>A (p.A447T) alteration is located in coding exon 8 of the OSBPL10 gene. This alteration results from a G to A substitution at nucleotide position 1339, causing the alanine (A) at amino acid position 447 to be replaced by a threonine (T). This amino acid position is not well conserved in available vertebrate species. This alteration is predicted to be tolerated by in silico analysis. Based on insufficient or conflicting evidence, the clinical significance of this alteration remains unclear.

Literature cited by the submitters: PubMed 28106320.